The following is an entry in ClinVar:

NM_005912.3(MC4R):c.364G>T (p.Asp122Tyr)

Gene: MC4R (melanocortin 4 receptor; minus strand). Cytogenetic location: 18q21.32.
Variant type: single nucleotide variant.
Coding change: c.364G>T on transcript NM_005912.3 (MANE Select); coding-DNA position 364, G replaced by T.
Protein change: p.Asp122Tyr; replaces aspartic acid 122 with tyrosine.
Molecular consequence: missense variant.
Genome position (GRCh38, 1-based): chr18:60,371,986, C>A on the plus strand (G>T on the coding strand, the complement: MC4R is on the minus strand). VCF-style: chr18-60371986-C-A. GRCh37 (hg19) VCF-style: chr18-58039219-C-A.
Other names: short protein forms D122Y.
Identifiers: ClinVar variation 4812869 (VCV004812869.1).

ClinVar aggregate classification (germline): Uncertain significance (1 of 4 stars; one submission).

Conditions:
Early onset severe obesity. Identifiers: MedGen C4013980.

Submission:

Cambridge Genomics Laboratory, East Genomic Laboratory Hub, NHS Genomic Medicine Service
Classification: Uncertain significance for Severe early-onset obesity. Last evaluated: 2024-01-19. Review status: criteria provided, single submitter. Criteria: ACGS Best Practice Guidelines for Variant Classification in Rare Disease 2020. Collection method: clinical testing. Allele origin: germline. Affected: yes.
Comment: The p.Asp122Tyr variant is novel (not in any individuals) in gnomAD All. The p.Asp122Tyr variant is novel (not in any individuals) in 1kG All. The p.Asp122Tyr variant is novel (not in any individuals) in gnomAD Genomes v3 All. (PM2 - Moderate) | (PM1_Supporting - Supporting) | The patient's phenotype or family history is highly specific for a disease with a single genetic etiology. (PP4 - Supporting)